The following is an entry in ClinVar:

NM_014215.3(INSRR):c.3339C>T (p.His1113=)

Genes: INSRR (insulin receptor related receptor; minus strand), NTRK1 (neurotrophic receptor tyrosine kinase 1; plus strand). Cytogenetic location: 1q23.1.
Variant type: single nucleotide variant.
Coding change: c.3339C>T on transcript NM_014215.3 (MANE Select); coding-DNA position 3339, C replaced by T.
Protein change: p.His1113=; no amino-acid change (histidine 1113 retained).
Molecular consequence: synonymous variant.
Genome position (GRCh38, 1-based): chr1:156,842,170, G>A on the plus strand (C>T on the coding strand, the complement: INSRR is on the minus strand). VCF-style: chr1-156842170-G-A. GRCh37 (hg19) VCF-style: chr1-156811962-G-A.
Other names: c.99G>A, p.Arg33= (NM_001007792.1).
Identifiers: ClinVar variation 2639464 (VCV002639464.22), dbSNP rs2525491015, ClinGen allele CA421269804.

ClinVar aggregate classification (germline): Likely benign (1 of 4 stars; one submission).

Submission:

CeGaT Center for Human Genetics Tuebingen
Classification: Likely benign. Last evaluated: 2024-06-01. Review status: criteria provided, single submitter. Criteria: CeGaT Center For Human Genetics Tuebingen Variant Classification Criteria Version 2. Collection method: clinical testing. Allele origin: germline. Affected: yes. Observed: 2 variant alleles.
Comment: INSRR: PM2:Supporting, BP4, BP7